The following is an entry in ClinVar:

NM_001079872.2(CUL4B):c.704C>T (p.Ser235Phe)

Gene: CUL4B (cullin 4B; minus strand). Cytogenetic location: Xq24.
Variant type: single nucleotide variant.
Coding change: c.704C>T on transcript NM_001079872.2 (MANE Select); coding-DNA position 704, C replaced by T.
Protein change: p.Ser235Phe; replaces serine 235 with phenylalanine.
Molecular consequence: missense variant.
Genome position (GRCh38, 1-based): chrX:120,547,208, G>A on the plus strand (C>T on the coding strand, the complement: CUL4B is on the minus strand). VCF-style: chrX-120547208-G-A. GRCh37 (hg19) VCF-style: chrX-119681063-G-A.
Other names: c.719C>T, p.Ser240Phe (NM_001330624.2); c.170C>T, p.Ser57Phe (NM_001369145.1); c.758C>T, p.Ser253Phe (NM_003588.4); short protein forms S235F, S57F, S240F, S253F.
Identifiers: ClinVar variation 4999677 (VCV004999677.1).

ClinVar aggregate classification (germline): Uncertain significance (1 of 4 stars; one submission).

Conditions:
CUL4B-related disorder. Also called: CUL4B-related condition.

Submission:

PreventionGenetics, part of Exact Sciences
Classification: Uncertain significance for CUL4B-related condition. Last evaluated: 2025-03-12. Review status: criteria provided, single submitter. Criteria: ACMG Guidelines, 2015. Collection method: clinical testing. Allele origin: germline.
Comment: The CUL4B c.758C>T variant is predicted to result in the amino acid substitution p.Ser253Phe. To our knowledge, this variant has not been reported in the literature or in a large population database (gnomAD), indicating this variant is rare. At this time, the clinical significance of this variant is uncertain due to the absence of conclusive functional and genetic evidence.